The following is an entry in ClinVar:

NM_001378418.1(TCF20):c.3078del (p.Gly1028fs)

Gene: TCF20 (transcription factor 20; minus strand). Cytogenetic location: 22q13.2.
Variant type: Deletion.
Coding change: c.3078del on transcript NM_001378418.1 (MANE Select); coding-DNA position 3078, one base deleted (A; older notation c.3078delA).
Protein change: p.Gly1028fs; shifts the reading frame from glycine 1028.
Molecular consequence: frameshift variant.
Genome position (GRCh38, 1-based): chr22:42,212,228, T deleted on the plus strand (A on the coding strand, the reverse complement: TCF20 is on the minus strand). VCF-style (leftmost placement, unchanged base first): chr22-42212227-CT-C. GRCh37 (hg19) VCF-style: chr22-42608233-CT-C.
Other names: c.3078del, p.Gly1028fs (NM_005650.4, NM_181492.3); short protein forms G1028fs.
Identifiers: ClinVar variation 3382025 (VCV003382025.2).
Genomic context (GRCh38, chr22:42,212,227, plus strand): 5'-AACTCCGGTTAGCCCTCTCTGAAAAGGTCATGTGTGGATTCATGTGATGAGGGTCTCCCC[CT>C]GGGCCTCTGCTCCGCCCAGGAGACATTTTCAATTTTTCTGCAAAGTCATGATATTGAGAA-3'

ClinVar aggregate classification (germline): Pathogenic (1 of 4 stars; one submission).

Conditions:
Developmental delay with variable intellectual impairment and behavioral abnormalities. Identifiers: MedGen C5193092, MONDO:0032745, OMIM 618430.

Submission:

Juno Genomics, Hangzhou Juno Genomics, Inc
Classification: Pathogenic for Developmental delay with variable intellectual impairment and behavioral abnormalities. Review status: criteria provided, single submitter. Criteria: ACMG Guidelines, 2015. Collection method: clinical testing. Allele origin: germline. Affected: yes.
Comment: Absent from controls (or at extremely low frequency if recessive) in Genome Aggregation Database, Exome Sequencing Project, 1000 Genomes Project, or Exome Aggregation Consortium.;Null variant in a gene where loss of function (LOF) is a known mechanism of disease.;Assumed de novo, but without confirmation of paternity and maternity.;Patient's phenotype or family history is highly specific for a disease with a single genetic etiology.